The following is an entry in ClinVar:

ClinVar aggregate classification (germline): Benign (1 of 4 stars; one submission).

Conditions:
Frontotemporal dementia and/or amyotrophic lateral sclerosis 1 (FTDALS1). Also called: C9orf72 Frontotemporal Dementia and/or Amyotrophic Lateral Sclerosis; Frontotemporal dementia with motor neuron disease 1. Identifiers: Orphanet 275872, MedGen C5779877, MONDO:0007105, OMIM 105550.

Allele frequency attached by ClinVar (database versions not stated): gnomAD 0.00012 and 0.00018; gnomAD exomes 0.00017 and 0.00036; TOPMed 0.00018; ExAC 0.00045; 1000 Genomes Project 30x 0.00109; 1000 Genomes Project 0.00140.
gnomAD v4.1: 268 of 1,610,254 alleles (0.017%); highest among the groups gnomAD compares: East Asian, 0.58%; 4 homozygotes.

Submission:

Illumina Laboratory Services, Illumina
Classification: Benign for Frontotemporal dementia and/or amyotrophic lateral sclerosis 1. Last evaluated: 2018-01-13. Review status: criteria provided, single submitter. Criteria: ICSL Variant Classification Criteria 13 December 2019. Collection method: clinical testing. Allele origin: germline.
Comment: This variant was observed in the ICSL laboratory as part of a predisposition screen in an ostensibly healthy population. It had not been previously curated by ICSL or reported in the Human Gene Mutation Database (HGMD: prior to June 1st, 2018), and was therefore a candidate for classification through an automated scoring system. Utilizing variant allele frequency, disease prevalence and penetrance estimates, and inheritance mode, an automated score was calculated to assess if this variant is too frequent to cause the disease. Based on the score and internal cut-off values, a variant classified as benign is not then subjected to further curation. The score for this variant resulted in a classification of benign for this disease.

NM_018325.5(C9orf72):c.682T>C (p.Leu228=)

Gene: C9orf72 (C9orf72-SMCR8 complex subunit; minus strand). Cytogenetic location: 9p21.2.
Variant type: single nucleotide variant.
Coding change: c.682T>C on transcript NM_018325.5 (MANE Select); coding-DNA position 682, T replaced by C.
Protein change: p.Leu228=; no amino-acid change (leucine 228 retained).
Molecular consequence: synonymous variant.
Genome position (GRCh38, 1-based): chr9:27,560,283, A>G on the plus strand (T>C on the coding strand, the complement: C9orf72 is on the minus strand). VCF-style: chr9-27560283-A-G. GRCh37 (hg19) VCF-style: chr9-27560281-A-G.
Other names: c.682T>C, p.Leu228= (NM_001256054.3).
Identifiers: ClinVar variation 913324 (VCV000913324.4), dbSNP rs147034723, ClinGen allele CA5017871.